The following is an entry in ClinVar:

NM_001367624.2(ZNF469):c.6088A>G (p.Thr2030Ala)

Gene: ZNF469 (zinc finger protein 469; plus strand). Cytogenetic location: 16q24.2.
Variant type: single nucleotide variant.
Coding change: c.6088A>G on transcript NM_001367624.2 (MANE Select); coding-DNA position 6088, A replaced by G.
Protein change: p.Thr2030Ala; replaces threonine 2030 with alanine.
Molecular consequence: missense variant.
Genome position (GRCh38, 1-based): chr16:88,433,558, A>G. VCF-style: chr16-88433558-A-G. GRCh37 (hg19) VCF-style: chr16-88499966-A-G.
Other names: NM_001127464.1:c.6004A>G; short protein forms T2030A.
Identifiers: ClinVar variation 1751038 (VCV001751038.4), dbSNP rs748549582, ClinGen allele CA8225128.
Genomic context (GRCh38, chr16:88,433,558, plus strand): 5'-GGGGGCACGGACAACCACGCCTCAGTCAATGCCAGTCCCAAAACAGCGCTGACCGGCCCC[A>G]CCGAGGGTGCAGTCCTGCTAGAGAAATGCAAGGGAAGCAGGGCAGCCATGAGCCTTCAGG-3'
Protein context (NP_001354553.1, residues 2020-2040): ASPKTALTGP[Thr2030Ala]EGAVLLEKCK

ClinVar aggregate classification (germline): Conflicting classifications of pathogenicity. Review status: criteria provided, conflicting classifications (1 of 4 stars). 2 submissions from 2 submitters: Uncertain significance (1); Likely benign (1). Last evaluated 2025-04-20.

Conditions:
Cardiovascular phenotype. Identifiers: MedGen CN230736.

Allele frequency attached by ClinVar (database versions not stated): TOPMed below 0.00001; gnomAD 0.00001; gnomAD exomes 0.00002; ExAC 0.00005.
gnomAD v4.1: 23 of 1,550,216 alleles (0.0015%); highest among the groups gnomAD compares: Non-Finnish European, 0.002%; no homozygotes.

Submissions (2):

Ambry Genetics
Classification: Likely benign for Cardiovascular phenotype. Last evaluated: 2025-04-20. Review status: criteria provided, single submitter. Criteria: Ambry Variant Classification Scheme 2023. Collection method: clinical testing. Allele origin: germline.

Labcorp Genetics (formerly Invitae), Labcorp
Classification: Uncertain significance. Last evaluated: 2024-01-06. Review status: criteria provided, single submitter. Criteria: Invitae Variant Classification Sherloc (09022015). Collection method: clinical testing. Allele origin: germline.
Comment: This sequence change replaces threonine, which is neutral and polar, with alanine, which is neutral and non-polar, at codon 2002 of the ZNF469 protein (p.Thr2002Ala). This variant is present in population databases (rs748549582, gnomAD 0.004%). This variant has not been reported in the literature in individuals affected with ZNF469-related conditions. ClinVar contains an entry for this variant (Variation ID: 1751038). Algorithms developed to predict the effect of missense changes on protein structure and function output the following: SIFT: "Not Available"; PolyPhen-2: "Benign"; Align-GVGD: "Not Available". The alanine amino acid residue is found in multiple mammalian species, which suggests that this missense change does not adversely affect protein function. In summary, the available evidence is currently insufficient to determine the role of this variant in disease. Therefore, it has been classified as a Variant of Uncertain Significance.